The following is an entry in ClinVar:

NM_001386814.1(AIFM3):c.1802C>T (p.Thr601Met)

Gene: AIFM3 (AIF family member 3; plus strand). Cytogenetic location: 22q11.21.
Variant type: single nucleotide variant.
Coding change: c.1802C>T on transcript NM_001386814.1 (MANE Select); coding-DNA position 1802, C replaced by T.
Protein change: p.Thr601Met; replaces threonine 601 with methionine.
Molecular consequence: missense variant. On other transcripts: non-coding transcript variant (1).
Genome position (GRCh38, 1-based): chr22:20,981,015, C>T. VCF-style: chr22-20981015-C-T. GRCh37 (hg19) VCF-style: chr22-21335304-C-T.
Other names: c.1781C>T, p.Thr594Met (NM_001018060.3); c.1799C>T, p.Thr600Met (NM_001146288.2); c.1802C>T, p.Thr601Met (NM_144704.3); short protein forms T601M, T594M, T600M.
Identifiers: ClinVar variation 3846243 (VCV003846243.2).

ClinVar aggregate classification (germline): Uncertain significance. Review status: criteria provided, multiple submitters, no conflicts (2 of 4 stars). 2 submissions from 2 submitters: Uncertain significance (2). Last evaluated 2025-06-05.

gnomAD v4.1: 20 of 1,614,048 alleles (0.0012%); highest among the groups gnomAD compares: East Asian, 0.0022%; no homozygotes.

Submissions (2):

Women's Health and Genetics/Laboratory Corporation of America, LabCorp
Classification: Uncertain significance. Last evaluated: 2025-06-05. Review status: criteria provided, single submitter. Criteria: LabCorp Variant Classification Summary - May 2015. Collection method: clinical testing. Allele origin: germline.
Comment: Variant summary: AIFM3 c.1802C>T (p.Thr601Met) results in a non-conservative amino acid change in the encoded protein sequence. Algorithms developed to predict the effect of missense changes on protein structure and function are either unavailable or do not agree on the potential impact of this missense change. The variant allele was found at a frequency of 2e-05 in 251296 control chromosomes (gnomAD). The available data on variant occurrences in the general population are insufficient to allow any conclusion about variant significance. To our knowledge, no occurrence of c.1802C>T in individuals affected with AIFM3-Related Disorders and no experimental evidence demonstrating its impact on protein function have been reported. No submitters have cited clinical-significance assessments for this variant to ClinVar. Based on the evidence outlined above, the variant was classified as uncertain significance.

Ambry Genetics
Classification: Uncertain significance. Last evaluated: 2025-02-19. Review status: criteria provided, single submitter. Criteria: Ambry Variant Classification Scheme 2023. Collection method: clinical testing. Allele origin: germline.